The following is an entry in ClinVar:

ClinVar aggregate classification (germline): Uncertain significance. Review status: criteria provided, multiple submitters, no conflicts (2 of 4 stars). 2 submissions from 2 submitters: Uncertain significance (2). Last evaluated 2024-03-26.

Allele frequency attached by ClinVar (database versions not stated): TOPMed 0.00001; ESP Exome Variant Server 0.00008.

Submissions (2):

Labcorp Genetics (formerly Invitae), Labcorp
Classification: Uncertain significance. Last evaluated: 2024-03-26. Review status: criteria provided, single submitter. Criteria: Invitae Variant Classification Sherloc (09022015). Collection method: clinical testing. Allele origin: germline.
Comment: This sequence change replaces arginine, which is basic and polar, with glutamine, which is neutral and polar, at codon 213 of the RELB protein (p.Arg213Gln). This variant is present in population databases (rs372431384, gnomAD 0.007%). This variant has not been reported in the literature in individuals affected with RELB-related conditions. An algorithm developed to predict the effect of missense changes on protein structure and function (PolyPhen-2) suggests that this variant is likely to be tolerated. In summary, the available evidence is currently insufficient to determine the role of this variant in disease. Therefore, it has been classified as a Variant of Uncertain Significance.

Ambry Genetics
Classification: Uncertain significance. Last evaluated: 2023-11-14. Review status: criteria provided, single submitter. Criteria: Ambry Variant Classification Scheme 2023. Collection method: clinical testing. Allele origin: germline.

NM_006509.4(RELB):c.638G>A (p.Arg213Gln)

Gene: RELB (RELB proto-oncogene, NF-kB subunit; plus strand). Cytogenetic location: 19q13.32.
Variant type: single nucleotide variant.
Coding change: c.638G>A on transcript NM_006509.4 (MANE Select); coding-DNA position 638, G replaced by A.
Protein change: p.Arg213Gln; replaces arginine 213 with glutamine.
Molecular consequence: missense variant.
Genome position (GRCh38, 1-based): chr19:45,022,186, G>A. VCF-style: chr19-45022186-G-A. GRCh37 (hg19) VCF-style: chr19-45525444-G-A.
Other names: c.629G>A, p.Arg210Gln (NM_001411087.1); c.638G>A (NM_006509.3); short protein forms R213Q, R210Q.
Identifiers: ClinVar variation 2892618 (VCV002892618.4), dbSNP rs372431384, ClinGen allele CA9507602.